The following is an entry in ClinVar:

NM_000051.4(ATM):c.3450A>G (p.Arg1150=)

Gene: ATM (ATM serine/threonine kinase; plus strand). Cytogenetic location: 11q22.3.
Variant type: single nucleotide variant.
Coding change: c.3450A>G on transcript NM_000051.4 (MANE Select); coding-DNA position 3450, A replaced by G.
Protein change: p.Arg1150=; no amino-acid change (arginine 1150 retained).
Molecular consequence: synonymous variant.
Genome position (GRCh38, 1-based): chr11:108,281,042, A>G. VCF-style: chr11-108281042-A-G. GRCh37 (hg19) VCF-style: chr11-108151769-A-G.
Other names: c.3450A>G, p.Arg1150= (NM_001351834.2).
Identifiers: ClinVar variation 1609017 (VCV001609017.9), dbSNP rs2135666527, ClinGen allele CA476672804.

ClinVar aggregate classification (germline): Benign/Likely benign. Review status: criteria provided, multiple submitters, no conflicts (2 of 4 stars). 2 submissions from 2 submitters: Benign (1); Likely benign (1). Last evaluated 2025-02-18.

Conditions:
Ataxia-telangiectasia syndrome (AT). Also called: ATAXIA-TELANGIECTASIA, FRESNO VARIANT; AT, COMPLEMENTATION GROUP C; LOUIS-BAR SYNDROME; Ataxia telangiectasia (A-T); Cerebello-oculocutaneous telangiectasia; Immunodeficiency with ataxia telangiectasia. Identifiers: Orphanet 100, MedGen C0004135, MONDO:0008840, OMIM 208900.
Familial cancer of breast. Also called: hereditary breast carcinoma; Hereditary breast cancer; BREAST CANCER, FAMILIAL. Identifiers: Orphanet 227535, MedGen C0346153, MONDO:0016419, OMIM 114480. Disease mechanism: loss of function.

Allele frequency attached by ClinVar (database versions not stated): gnomAD exomes below 0.00001.
gnomAD v4.1: 1 of 1,613,720 alleles (0.000062%); highest among the groups gnomAD compares: African/African-American, 0.0013%; no homozygotes.

Submissions (2):

Labcorp Genetics (formerly Invitae), Labcorp
Classification: Likely benign for Ataxia-telangiectasia syndrome. Last evaluated: 2025-02-18. Review status: criteria provided, single submitter. Criteria: Invitae Variant Classification Sherloc (09022015). Collection method: clinical testing. Allele origin: germline.

Myriad Genetics, Inc.
Classification: Benign for Familial cancer of breast. Last evaluated: 2024-05-14. Review status: criteria provided, single submitter. Criteria: Myriad Autosomal Dominant, Autosomal Recessive and X-Linked Classification Criteria (2023). Collection method: clinical testing. Allele origin: unknown.
Comment: This variant is considered benign. This variant is a silent/synonymous amino acid change and it is not expected to impact splicing.